The following is an entry in ClinVar:

NM_001164508.2(NEB):c.7390G>A (p.Asp2464Asn)

Gene: NEB (nebulin; minus strand). Cytogenetic location: 2q23.3.
Variant type: single nucleotide variant.
Coding change: c.7390G>A on transcript NM_001164508.2 (MANE Select); coding-DNA position 7390, G replaced by A.
Protein change: p.Asp2464Asn; replaces aspartic acid 2464 with asparagine.
Molecular consequence: missense variant.
Genome position (GRCh38, 1-based): chr2:151,650,217, C>T on the plus strand (G>A on the coding strand, the complement: NEB is on the minus strand). VCF-style: chr2-151650217-C-T. GRCh37 (hg19) VCF-style: chr2-152506731-C-T.
Other names: c.7390G>A, p.Asp2464Asn (NM_001164507.2, NM_001271208.2, NM_004543.5); c.7390G>A (NM_004543.4); short protein forms D2464N.
Identifiers: ClinVar variation 2580110 (VCV002580110.6), dbSNP rs752379641, ClinGen allele CA1909866.
Genomic context (GRCh38, chr2:151,650,217, plus strand): 5'-TTTCCAGAGTGCTACTCACATCACTCCTATTTTTGGCATTTGTCTTTGCCAGAACTATAT[C>T]CATGGCATCAGGAATGCTGGTGAACTTGTTTCTGTCTGGAGGCTGACGATATTTCTTCTC-3'
Protein context (NP_001157980.2, residues 2454-2474): NKFTSIPDAM[Asp2464Asn]IVLAKTNAKN

ClinVar aggregate classification (germline): Conflicting classifications of pathogenicity. Review status: criteria provided, conflicting classifications (1 of 4 stars). 3 submissions from 3 submitters: Uncertain significance (2); Likely benign (1). Last evaluated 2026-10-05.

Conditions:
Inborn genetic diseases. Identifiers: MedGen C0950123, MeSH D030342.
Nemaline myopathy 2 (NEM2). Also called: Nemaline myopathy 2, autosomal recessive. Identifiers: MedGen C1850569, MONDO:0009725, OMIM 256030.

Allele frequency attached by ClinVar (database versions not stated): ExAC 0.00001; gnomAD 0.00001.
gnomAD v4.1: 3 of 1,613,796 alleles (0.00019%); highest among the groups gnomAD compares: African/African-American, 0.0013%; no homozygotes.

Submissions (3):

GeneDx
Classification: Uncertain significance. Last evaluated: 2026-10-05. Review status: criteria provided, single submitter. Criteria: GeneDx Variant Classification Process June 2021. Collection method: clinical testing. Allele origin: germline.
Comment: Not observed at significant frequency in large population cohorts (gnomAD); In silico analysis suggests that this missense variant does not alter protein structure/function; Has not been previously published as pathogenic or benign to our knowledge

Ambry Genetics
Classification: Uncertain significance for Inborn genetic diseases. Last evaluated: 2026-06-10. Review status: criteria provided, single submitter. Criteria: Ambry Variant Classification Scheme 2023. Collection method: clinical testing. Allele origin: germline.

Labcorp Genetics (formerly Invitae), Labcorp
Classification: Likely benign for Nemaline myopathy 2. Last evaluated: 2023-03-07. Review status: criteria provided, single submitter. Criteria: Invitae Variant Classification Sherloc (09022015). Collection method: clinical testing. Allele origin: germline.